The following is an entry in ClinVar:

NM_001376571.1(MADD):c.1037T>C (p.Leu346Pro)

Gene: MADD (MAP kinase activating death domain; plus strand). Cytogenetic location: 11p11.2.
Variant type: single nucleotide variant.
Coding change: c.1037T>C on transcript NM_001376571.1 (MANE Select); coding-DNA position 1037, T replaced by C.
Protein change: p.Leu346Pro; replaces leucine 346 with proline.
Molecular consequence: missense variant. On other transcripts: non-coding transcript variant (8).
Genome position (GRCh38, 1-based): chr11:47,276,805, T>C. VCF-style: chr11-47276805-T-C. GRCh37 (hg19) VCF-style: chr11-47298356-T-C.
Other names: c.1037T>C, p.Leu346Pro (NM_001135943.2, NM_001135944.2, NM_001376572.1 and 80 more transcripts); c.833T>C, p.Leu278Pro (NM_001376620.1, NM_001376626.1, NM_001376627.1 and 9 more transcripts); c.371T>C, p.Leu124Pro (NM_001376663.1); short protein forms L346P, L278P, L124P.
Identifiers: ClinVar variation 806672 (VCV000806672.45), dbSNP rs1591767154, ClinGen allele CA380324577.

ClinVar aggregate classification (germline): Conflicting classifications of pathogenicity. Review status: criteria provided, conflicting classifications (1 of 4 stars). 3 submissions from 3 submitters: Likely pathogenic (2); Uncertain significance (1). Last evaluated 2021-08-05.

Conditions:
Neurodevelopmental disorder with dysmorphic facies, impaired speech, and hypotonia. Identifiers: MedGen C5436585, MONDO:0033562, OMIM 619005.
Deeah syndrome. Also called: DEVELOPMENTAL DELAY WITH ENDOCRINE, EXOCRINE, AUTONOMIC, AND HEMATOLOGIC ABNORMALITIES. Identifiers: Orphanet 686495, MedGen C5436579, MONDO:0033561, OMIM 619004.

Submissions (3):

MGZ Medical Genetics Center
Classification: Likely pathogenic for Deeah syndrome. Last evaluated: 2021-08-05. Review status: criteria provided, single submitter. Criteria: ACMG Guidelines, 2015. Collection method: clinical testing. Allele origin: germline. Affected: yes. Observed: 1 variant allele.
Comment: ACMG criteria applied: PS4, PM1, PM2_SUP, PM3_SUP, PP3

Institute of Human Genetics, University of Leipzig Medical Center
Classification: Likely pathogenic for Neurodevelopmental disorder with dysmorphic facies, impaired speech, and hypotonia. Last evaluated: 2020-08-01. Review status: criteria provided, single submitter. Criteria: ACMG Guidelines, 2015. Collection method: clinical testing. Allele origin: germline. Affected: yes.

CeGaT Center for Human Genetics Tuebingen
Classification: Uncertain significance. Last evaluated: 2019-01-01. Review status: criteria provided, single submitter. Criteria: CeGaT Center For Human Genetics Tuebingen Variant Classification Criteria Version 2. Collection method: clinical testing. Allele origin: germline. Affected: yes. Observed: 4 variant alleles.

Literature cited by the submitters: PubMed 32761064 (cited by Institute of Human Genetics, University of Leipzig Medical Center).